The following is an entry in ClinVar:

ClinVar aggregate classification (germline): Uncertain significance. Review status: criteria provided, multiple submitters, no conflicts (2 of 4 stars). 3 submissions from 3 submitters: Uncertain significance (3). Last evaluated 2025-08-25.

Conditions:
POLD1-related polyposis and colorectal cancer syndrome (CRCS10). Also called: Colorectal cancer 10; COLORECTAL CANCER, SUSCEPTIBILITY TO, ON CHROMOSOME 19q; Colorectal cancer, susceptibility to, 10. Identifiers: Orphanet 220460, MedGen C2675481, MONDO:0012953, OMIM 612591.
Hereditary cancer-predisposing syndrome. Also called: Neoplastic Syndromes, Hereditary; Hereditary neoplastic syndrome; Tumor predisposition; Hereditary Cancer Syndrome. Identifiers: Orphanet 140162, MedGen C0027672, MeSH D009386, MONDO:0015356.

Allele frequency attached by ClinVar (database versions not stated): gnomAD exomes 0.00001.
gnomAD v4.1: 9 of 1,613,958 alleles (0.00056%); highest among the groups gnomAD compares: Middle Eastern, 0.016%; no homozygotes.

Submissions (3):

Labcorp Genetics (formerly Invitae), Labcorp
Classification: Uncertain significance for POLD1-related polyposis and colorectal cancer syndrome. Last evaluated: 2025-08-25. Review status: criteria provided, single submitter. Criteria: Invitae Variant Classification Sherloc (09022015). Collection method: clinical testing. Allele origin: germline.
Comment: This sequence change replaces arginine, which is basic and polar, with histidine, which is basic and polar, at codon 454 of the POLD1 protein (p.Arg454His). This variant is not present in population databases (gnomAD no frequency). This variant has not been reported in the literature in individuals affected with POLD1-related conditions. ClinVar contains an entry for this variant (Variation ID: 469192). Invitae Evidence Modeling of protein sequence and biophysical properties (such as structural, functional, and spatial information, amino acid conservation, physicochemical variation, residue mobility, and thermodynamic stability) indicates that this missense variant is expected to disrupt POLD1 protein function with a positive predictive value of 80%. In summary, the available evidence is currently insufficient to determine the role of this variant in disease. Therefore, it has been classified as a Variant of Uncertain Significance.

Ambry Genetics
Classification: Uncertain significance for Hereditary cancer-predisposing syndrome. Last evaluated: 2024-05-25. Review status: criteria provided, single submitter. Criteria: Ambry Variant Classification Scheme 2023. Collection method: clinical testing. Allele origin: germline.
Comment: The p.R454H variant (also known as c.1361G>A), located in coding exon 10 of the POLD1 gene, results from a G to A substitution at nucleotide position 1361. The arginine at codon 454 is replaced by histidine, an amino acid with highly similar properties. This amino acid position is highly conserved in available vertebrate species. In addition, this alteration is predicted to be deleterious by in silico analysis. Since supporting evidence is limited at this time, the clinical significance of this alteration remains unclear.

Baylor Genetics
Classification: Uncertain significance for POLD1-related polyposis and colorectal cancer syndrome. Last evaluated: 2023-09-28. Review status: criteria provided, single submitter. Criteria: ACMG Guidelines, 2015. Collection method: clinical testing. Allele origin: unknown.

NM_002691.4(POLD1):c.1361G>A (p.Arg454His)

Gene: POLD1 (DNA polymerase delta 1, catalytic subunit; plus strand). Cytogenetic location: 19q13.33.
Variant type: single nucleotide variant.
Coding change: c.1361G>A on transcript NM_002691.4 (MANE Select); coding-DNA position 1361, G replaced by A.
Protein change: p.Arg454His; replaces arginine 454 with histidine.
Molecular consequence: missense variant. On other transcripts: non-coding transcript variant (1).
Genome position (GRCh38, 1-based): chr19:50,406,300, G>A. VCF-style: chr19-50406300-G-A. GRCh37 (hg19) VCF-style: chr19-50909557-G-A.
Other names: c.1361G>A, p.Arg454His (NM_001256849.1, NM_001308632.1); short protein forms R454H.
Identifiers: ClinVar variation 469192 (VCV000469192.18), dbSNP rs1004124075, ClinGen allele CA309601757.
Genomic context (GRCh38, chr19:50,406,300, plus strand): 5'-CTTCATTCCAGTCCAAGCAGACGGGCCGGCGGGACACCAAGGTTGTCAGCATGGTGGGCC[G>A]CGTGCAGATGGACATGCTGCAGGTATGGGCGGGAGGTGGGGTGTGTCCCTGTCCTTGGAA-3'
Protein context (NP_002682.2, residues 444-464): RDTKVVSMVG[Arg454His]VQMDMLQVLL